The following is an entry in ClinVar:

NM_000443.4(ABCB4):c.3481C>T (p.Pro1161Ser)

Gene: ABCB4 (ATP binding cassette subfamily B member 4; minus strand). Cytogenetic location: 7q21.12.
Variant type: single nucleotide variant.
Coding change: c.3481C>T on transcript NM_000443.4 (MANE Select); coding-DNA position 3481, C replaced by T.
Protein change: p.Pro1161Ser; replaces proline 1161 with serine.
Molecular consequence: missense variant.
Genome position (GRCh38, 1-based): chr7:87,406,293, G>A on the plus strand (C>T on the coding strand, the complement: ABCB4 is on the minus strand). VCF-style: chr7-87406293-G-A. GRCh37 (hg19) VCF-style: chr7-87035609-G-A.
Other names: c.3502C>T, p.Pro1168Ser (NM_018849.3); c.3340C>T, p.Pro1114Ser (NM_018850.3); c.3481C>T (NM_000443.3); short protein forms P1161S, P1168S, P1114S.
Identifiers: ClinVar variation 13692 (VCV000013692.15), dbSNP rs121918442, ClinGen allele CA123362.

ClinVar aggregate classification (germline): Conflicting classifications of pathogenicity. Review status: criteria provided, conflicting classifications (1 of 4 stars). 9 submissions from 9 submitters: Likely pathogenic (1); Uncertain significance (7). 1 of the submissions does not count toward it. Last evaluated 2026-04-14.

Conditions:
ABCB4-related disorder. Also called: ABCB4-related disorders; ABCB4-related condition.
Low phospholipid associated cholelithiasis (GBD1). Also called: Gallstone cholecystitis; Gallbladder disease 1. Identifiers: Orphanet 69663, MedGen C2609268, MONDO:0010939, OMIM 600803.

Allele frequency attached by ClinVar (database versions not stated): gnomAD exomes 0.00002; TOPMed 0.00002; ExAC 0.00003; gnomAD 0.00003.
gnomAD v4.1: 37 of 1,614,016 alleles (0.0023%); highest among the groups gnomAD compares: Middle Eastern, 0.033%; no homozygotes.

Submissions (9):

Genomenon, Inc
Classification: Uncertain significance for Low phospholipid associated cholelithiasis. Last evaluated: 2026-04-14. Review status: criteria provided, single submitter. Criteria: Genomenon Sequence Variant Interpretation Standards - Updated. Collection method: curation. Allele origin: germline. Affected: yes.
Comment: ABCB4 p.Pro1161Ser (c.3481C>T) is a missense variant that changes the amino acid at residue 1161 from Proline to Serine. This variant has been observed in at least one proband with an ABCB4-related disorder (PMID:28587926;12891548). The variant was found to segregate with disease in at least one affected family (PMID:28587926). At least one functional study has demonstrated a substantial alteration in protein function relative to the wild-type (PMID:28587926). It is absent or not present at a significant frequency in gnomAD. In silico models predict that this variant is possibly or probably damaging. In conclusion, we classify ABCB4 p.Pro1161Ser (c.3481C>T) as a variant of uncertain significance.

Dasa
Classification: Uncertain significance. Last evaluated: 2025-05-08. Review status: criteria provided, single submitter. Criteria: DASA Assertion Criteria. Collection method: clinical testing. Allele origin: germline.
Comment: NM_000443.4(ABCB4):c.3481C>T (p.Pro1161Ser) is a missense variant that results in the substitution of proline with serine. This variant has been recurrently observed in individuals with ABCB4-related disorders (PMID: 11313316; PMID: 28587926). Also, this variant is rare in population databases. Computational prediction algorithms are consistent with a deleterious effect. The currently available literature and clinical evidence are not sufficient to establish a definitive association between this variant and the reported condition. Therefore, this variant is classified as a variant of uncertain significance.

PreventionGenetics, part of Exact Sciences
Classification: Uncertain significance for ABCB4-related condition. Last evaluated: 2025-02-06. Review status: criteria provided, single submitter. Criteria: ACMG Guidelines, 2015. Collection method: clinical testing. Allele origin: germline.
Comment: The ABCB4 c.3481C>T variant is predicted to result in the amino acid substitution p.Pro1161Ser. This variant was reported in the homozygous state in an individual with cholestasis and cholelithiasis (Patient 6, Rosmorduc et al. 2001. PubMed ID: 11313316). This variant was also documented in the heterozygous state in at least two unrelated individuals with low-phospholipid-associated cholelithiasis (Poupon et al. 2013. PubMed ID: 23533021; Rosmorduc and Poupon 2007. PubMed ID: 17562004). Functional studies suggested that this variant results in reduced protein function (Khabou et al. 2017. PubMed ID: 28587926). This variant is reported in 0.0065% of alleles in individuals of South Asian descent in gnomAD. Although we suspect that this variant may be pathogenic, at this time, the clinical significance of this variant is uncertain due to the absence of conclusive functional and genetic evidence.

Women's Health and Genetics/Laboratory Corporation of America, LabCorp
Classification: Uncertain significance. Last evaluated: 2024-04-24. Review status: criteria provided, single submitter. Criteria: LabCorp Variant Classification Summary - May 2015. Collection method: clinical testing. Allele origin: germline.
Comment: Variant summary: ABCB4 c.3481C>T (p.Pro1161Ser) results in a non-conservative amino acid change located in the ABC transporter-like, ATP-binding domain (IPR003439) of the encoded protein sequence. Five of five in-silico tools predict a damaging effect of the variant on protein function. The variant allele was found at a frequency of 2.4e-05 in 251160 control chromosomes. The available data on variant occurrences in the general population are insufficient to allow any conclusion about variant significance. c.3481C>T has been reported in the literature in individuals affected with Familial Intrahepatic Cholestasis (Rosmorduc_2003, Wang_2011, Poupon_2013) without evidence for causality. These report(s) do not provide unequivocal conclusions about association of the variant with Familial Intrahepatic Cholestasis. At least one publication reports experimental evidence evaluating an impact on protein function. The most pronounced variant effect results in a moderate decrease in secretion (Khabou_2017). The following publications have been ascertained in the context of this evaluation (PMID: 28587926, 19840255, 12891548, 20849526, 35741809). ClinVar contains an entry for this variant (Variation ID: 13692). Based on the evidence outlined above, the variant was classified as uncertain significance.

Blueprint Genetics
Classification: Uncertain significance. Last evaluated: 2024-01-29. Review status: criteria provided, single submitter. Criteria: ACMG Guidelines, 2015. Collection method: clinical testing. Allele origin: germline.

Labcorp Genetics (formerly Invitae), Labcorp
Classification: Uncertain significance. Last evaluated: 2022-10-17. Review status: criteria provided, single submitter. Criteria: Invitae Variant Classification Sherloc (09022015). Collection method: clinical testing. Allele origin: germline.
Comment: This sequence change replaces proline, which is neutral and non-polar, with serine, which is neutral and polar, at codon 1161 of the ABCB4 protein (p.Pro1161Ser). This variant is present in population databases (rs121918442, gnomAD 0.006%). This missense change has been observed in individual(s) with autosomal recessive cholestasis and/or low phospholipid associated cholelithiasis (PMID: 11313316, 12891548, 28587926). ClinVar contains an entry for this variant (Variation ID: 13692). Advanced modeling of protein sequence and biophysical properties (such as structural, functional, and spatial information, amino acid conservation, physicochemical variation, residue mobility, and thermodynamic stability) has been performed at Invitae for this missense variant, however the output from this modeling did not meet the statistical confidence thresholds required to predict the impact of this variant on ABCB4 protein function. Experimental studies have shown that this missense change affects ABCB4 function (PMID: 28587926). In summary, the available evidence is currently insufficient to determine the role of this variant in disease. Therefore, it has been classified as a Variant of Uncertain Significance.

Revvity Omics, Revvity
Classification: Likely pathogenic. Last evaluated: 2022-07-05. Review status: criteria provided, single submitter. Criteria: ACMG Guidelines, 2015. Collection method: clinical testing. Allele origin: germline.

Eurofins Ntd Llc (ga)
Classification: Uncertain significance. Last evaluated: 2018-03-02. Review status: criteria provided, single submitter. Criteria: EGL ClinVar v180209 classification definitions. Collection method: clinical testing. Allele origin: germline. Observed: 3 variant alleles, 3 heterozygotes.

OMIM
Classification: Pathogenic for GALLBLADDER DISEASE 1. Last evaluated: 2001-05-01. Review status: no assertion criteria provided. Collection method: literature only. Allele origin: germline. Not counted in ClinVar's aggregate classification.

Literature cited by the submitters: PubMed 28587926 (cited by 4 submitters); PubMed 12891548 (cited by 3 submitters); PubMed 11313316 (cited by 3 submitters); PubMed 20849526 (cited by Women's Health and Genetics/Laboratory Corporation of America, LabCorp); PubMed 35741809 (cited by Women's Health and Genetics/Laboratory Corporation of America, LabCorp); PubMed 19840255 (cited by Women's Health and Genetics/Laboratory Corporation of America, LabCorp).